The following is an entry in ClinVar:

NM_000018.4(ACADVL):c.343-1G>A

Gene: ACADVL (acyl-CoA dehydrogenase very long chain; plus strand). Cytogenetic location: 17p13.1.
Variant type: single nucleotide variant.
Coding change: c.343-1G>A on transcript NM_000018.4 (MANE Select); the canonical splice acceptor site of the intron before coding-DNA position 343, G replaced by A.
Molecular consequence: splice acceptor variant.
Genome position (GRCh38, 1-based): chr17:7,220,923, G>A. VCF-style: chr17-7220923-G-A. GRCh37 (hg19) VCF-style: chr17-7124242-G-A.
Other names: NM_000018.4:c.343-1G>A; c.412-1G>A (NM_001270447.2); c.115-1G>A (NM_001270448.2); c.277-1G>A (NM_001033859.3).
Identifiers: ClinVar variation 203594 (VCV000203594.14), dbSNP rs1555527877, ClinGen allele CA312290.

ClinVar aggregate classification (germline): Pathogenic. Review status: reviewed by expert panel (3 of 4 stars). 5 submissions from 5 submitters: Pathogenic (1). 4 of the submissions do not count toward it. Last evaluated 2021-11-09.

Conditions:
Very long chain acyl-CoA dehydrogenase deficiency (ACADVLD). Also called: Very Long-Chain Acyl-Coenzyme A Dehydrogenase Deficiency; VLCAD Deficiency. Identifiers: Orphanet 26793, MedGen C3887523, MONDO:0008723, OMIM 201475.

Allele frequency attached by ClinVar (database versions not stated): gnomAD 0.00001.
gnomAD v4.1: 1 of 1,613,882 alleles (0.000062%); highest among the groups gnomAD compares: East Asian, 0.0022%; no homozygotes.

Submissions (8):

ClinGen ACADVL Variant Curation Expert Panel, ClinGen
Classification: Pathogenic for Very long chain acyl-CoA dehydrogenase deficiency. Last evaluated: 2021-11-09. Review status: reviewed by expert panel. Criteria: clingen acadvl acmg specifications v1. Collection method: curation. Allele origin: germline. Inheritance: Autosomal recessive inheritance.
Comment: The c.343-1G>A variant in ACADVL occurs within the canonical splice acceptor site of intron 5. It is predicted to cause skipping of biologically-relevant-exon 5/6, resulting in a frameshift leading to nonsense mediated decay in a gene in which loss-of-function is an established disease mechanism (PVS1). This variant is absent from gnomAD v2.1.1 (PM2_Supporting). This variant is reported in at least one patient with abnormal C14:1 (0.4-6.5 uM, 1-365 days), who also carried the pathogenic (p.V283A) variant (PP4_moderate: PMID: 31983732). In summary, this variant meets the criteria to be classified as pathogenic for autosomal recessive very long chain acyl-CoA dehydrogenase (VLCAD) deficiency based on the ACMG/AMP criteria applied, as specified by the ClinGen ACADVL Variant Curation Expert Panel: PVS1, PM2_supporting, PP4_moderate).

Natera, Inc.
Classification: Likely pathogenic for Very long chain acyl-CoA dehydrogenase deficiency. Last evaluated: 2025-11-24. Review status: criteria provided, single submitter. Criteria: Natera Variant Classification Schema (03/2026). Collection method: clinical testing. Allele origin: germline. Not counted in ClinVar's aggregate classification.
Comment: The c.343-1G>A variant in ACADVL is a canonical splice acceptor site variant predicted to affect pre-mRNA splicing, which may result in an abnormal transcript and altered protein product. This variant is expected to result in nonsense mediated decay, truncation, or a dysfunctional protein product. This variant is rare in the general population with a frequency below the threshold expected for the associated phenotype(s). This variant has been observed in one or more individuals affected with the associated recessive disease, as either homozygous or compound heterozygous with a second variant (PMID: 31983732). Given the available evidence, this variant is classified as Likely Pathogenic.

Baylor Genetics
Classification: Pathogenic for Very long chain acyl-CoA dehydrogenase deficiency. Last evaluated: 2023-06-01. Review status: criteria provided, single submitter. Criteria: ACMG Guidelines, 2015. Collection method: clinical testing. Allele origin: unknown. Not counted in ClinVar's aggregate classification.

Labcorp Genetics (formerly Invitae), Labcorp
Classification: Pathogenic for Very long chain acyl-CoA dehydrogenase deficiency. Last evaluated: 2022-08-30. Review status: criteria provided, single submitter. Criteria: Invitae Variant Classification Sherloc (09022015). Collection method: clinical testing. Allele origin: germline. Not counted in ClinVar's aggregate classification.
Comment: This variant is not present in population databases (gnomAD no frequency). Disruption of this splice site has been observed in individual(s) with very long-chain acyl-CoA dehydrogenase deficiency (PMID: 31983732). ClinVar contains an entry for this variant (Variation ID: 203594). Algorithms developed to predict the effect of sequence changes on RNA splicing suggest that this variant may disrupt the consensus splice site. For these reasons, this variant has been classified as Pathogenic. This sequence change affects an acceptor splice site in intron 5 of the ACADVL gene. It is expected to disrupt RNA splicing. Variants that disrupt the donor or acceptor splice site typically lead to a loss of protein function (PMID: 16199547), and loss-of-function variants in ACADVL are known to be pathogenic (PMID: 9973285, 11590124).

Wong Mito Lab, Molecular and Human Genetics, Baylor College of Medicine
Classification: Pathogenic for Very long chain acyl-CoA dehydrogenase deficiency. Last evaluated: 2019-11-01. Review status: criteria provided, single submitter. Criteria: ACMG Guidelines, 2015. Collection method: clinical testing. Allele origin: germline. Not counted in ClinVar's aggregate classification.
Comment: The NM_000018.3:c.343-1G>A (NP_000009.1:p.?) [GRCH38: NC_000017.11:g.7220923G>A] variant in ACADVL gene is interpretated to be Pathogenic based on ACMG guidelines (PMID: 25741868). This variant has been reported. This variant meets the following evidence codes reported in the ACMG guidelines: PVS1, PS3

Dr. Peter K. Rogan Lab, Western University
No classification provided (evidence only). Condition: Malignant lymphoma, large B-cell, diffuse. Review status: no classification provided. Collection method: in vitro. Allele origin: not applicable. Functional consequence: skipped exon, retained intron. Not counted in ClinVar's aggregate classification.

Dr. Peter K. Rogan Lab, Western University
No classification provided (evidence only). Condition: Ovarian serous cystadenocarcinoma. Review status: no classification provided. Collection method: in vitro. Allele origin: not applicable. Functional consequence: retained intron. Not counted in ClinVar's aggregate classification.

MutSpliceDB: a database of splice sites variants effects on splicing, NIH
No classification provided (evidence only). Review status: no classification provided. Collection method: in vivo. Allele origin: not applicable. Functional consequence: retained intron. Not counted in ClinVar's aggregate classification.

Literature cited by the submitters: PubMed 31983732 (cited by Natera, Inc. and Labcorp Genetics (formerly Invitae), Labcorp); PubMed 16199547 (cited by Labcorp Genetics (formerly Invitae), Labcorp); PubMed 9973285 (cited by Labcorp Genetics (formerly Invitae), Labcorp); PubMed 11590124 (cited by Labcorp Genetics (formerly Invitae), Labcorp).